The following is an entry in ClinVar:

ClinVar aggregate classification (germline): Uncertain significance (1 of 4 stars; one submission).

Conditions:
Familial thoracic aortic aneurysm and aortic dissection (TAAD). Also called: Thoracic aortic aneurysms and dissections. Identifiers: Orphanet 91387, MedGen C4707243, MONDO:0019625.

Allele frequency attached by ClinVar (database versions not stated): gnomAD exomes below 0.00001; TOPMed 0.00001; gnomAD 0.00002.
gnomAD v4.1: 5 of 1,552,866 alleles (0.00032%); highest among the groups gnomAD compares: African/African-American, 0.0068%; no homozygotes.

Submission:

Ambry Genetics
Classification: Uncertain significance for Familial thoracic aortic aneurysm and aortic dissection. Last evaluated: 2022-07-06. Review status: criteria provided, single submitter. Criteria: Ambry Variant Classification Scheme 2023. Collection method: clinical testing. Allele origin: germline.
Comment: The p.W1638L variant (also known as c.4913G>T), located in coding exon 26 of the NOTCH1 gene, results from a G to T substitution at nucleotide position 4913. The tryptophan at codon 1638 is replaced by leucine, an amino acid with similar properties. This amino acid position is conserved. In addition, the in silico prediction for this alteration is inconclusive. Since supporting evidence is limited at this time, the clinical significance of this alteration remains unclear.

NM_017617.5(NOTCH1):c.4913G>T (p.Trp1638Leu)

Gene: NOTCH1 (notch receptor 1; minus strand). Cytogenetic location: 9q34.3.
Variant type: single nucleotide variant.
Coding change: c.4913G>T on transcript NM_017617.5 (MANE Select); coding-DNA position 4913, G replaced by T.
Protein change: p.Trp1638Leu; replaces tryptophan 1638 with leucine.
Molecular consequence: missense variant.
Genome position (GRCh38, 1-based): chr9:136,504,778, C>A on the plus strand (G>T on the coding strand, the complement: NOTCH1 is on the minus strand). VCF-style: chr9-136504778-C-A. GRCh37 (hg19) VCF-style: chr9-139399230-C-A.
Other names: short protein forms W1638L.
Identifiers: ClinVar variation 1744064 (VCV001744064.2), dbSNP rs981320922, ClinGen allele CA201643856.